The following is an entry in ClinVar:

ClinVar aggregate classification (germline): Pathogenic (1 of 4 stars; one submission).

Submission:

Labcorp Genetics (formerly Invitae), Labcorp
Classification: Pathogenic. Last evaluated: 2022-10-04. Review status: criteria provided, single submitter. Criteria: Invitae Variant Classification Sherloc (09022015). Collection method: clinical testing. Allele origin: germline.
Comment: For these reasons, this variant has been classified as Pathogenic. This variant has not been reported in the literature in individuals affected with TRIM37-related conditions. This variant is a gross deletion of the genomic region encompassing exon(s) 9-17 of the TRIM37 gene. This deletion is out-of-frame, and is expected to create a premature termination codon and result in an absent or disrupted protein product. Loss-of-function variants in TRIM37 are known to be pathogenic (PMID: 10888877, 15108285).

Literature cited by the submitters: PubMed 10888877; PubMed 15108285.

NC_000017.10:g.(?_57119154)_(57148328_?)del

Gene: TRIM37 (tripartite motif containing 37; minus strand). Cytogenetic location: 17q22.
Variant type: Deletion.
Identifiers: ClinVar variation 2426128 (VCV002426128.4).